The following is an entry in ClinVar:

NM_004067.4(CHN2):c.535A>G (p.Lys179Glu)

Gene: CHN2 (chimerin 2; plus strand). Cytogenetic location: 7p14.3.
Variant type: single nucleotide variant.
Coding change: c.535A>G on transcript NM_004067.4 (MANE Select); coding-DNA position 535, A replaced by G.
Protein change: p.Lys179Glu; replaces lysine 179 with glutamic acid.
Molecular consequence: missense variant.
Genome position (GRCh38, 1-based): chr7:29,400,787, A>G. VCF-style: chr7-29400787-A-G. GRCh37 (hg19) VCF-style: chr7-29440403-A-G.
Other names: NM_001293069.1:c.760A>G; c.574A>G, p.Lys192Glu (NM_001293070.2); c.430A>G, p.Lys144Glu (NM_001293071.2); c.490A>G, p.Lys164Glu (NM_001293072.2); c.97A>G, p.Lys33Glu (NM_001398427.1); short protein forms K179E, K144E, K164E, K33E, K192E.
Identifiers: ClinVar variation 4986658 (VCV004986658.1).

ClinVar aggregate classification (germline): Uncertain significance (1 of 4 stars; one submission).

Conditions:
CHN2-related disorder. Also called: CHN2-related condition.

gnomAD v4.1: 3 of 1,613,986 alleles (0.00019%); highest among the groups gnomAD compares: Non-Finnish European, 0.00025%; no homozygotes.

Submission:

PreventionGenetics, part of Exact Sciences
Classification: Uncertain significance for CHN2-related condition. Last evaluated: 2026-05-06. Review status: criteria provided, single submitter. Criteria: ACMG Guidelines, 2015. Collection method: clinical testing. Allele origin: germline.
Comment: The CHN2 c.760A>G variant is predicted to result in the amino acid substitution p.Lys254Glu. To our knowledge, this variant has not been reported in the literature. This variant is reported in 0.00088% of alleles in individuals of European (Non-Finnish) descent in gnomAD. At this time, the clinical significance of this variant is uncertain due to the absence of conclusive functional and genetic evidence.